The following is an entry in ClinVar:

NM_006361.6(HOXB13):c.193C>G (p.Pro65Ala)

Gene: HOXB13 (homeobox B13; minus strand). Cytogenetic location: 17q21.32.
Variant type: single nucleotide variant.
Coding change: c.193C>G on transcript NM_006361.6 (MANE Select); coding-DNA position 193, C replaced by G.
Protein change: p.Pro65Ala; replaces proline 65 with alanine.
Molecular consequence: missense variant.
Genome position (GRCh38, 1-based): chr17:48,728,401, G>C on the plus strand (C>G on the coding strand, the complement: HOXB13 is on the minus strand). VCF-style: chr17-48728401-G-C. GRCh37 (hg19) VCF-style: chr17-46805763-G-C.
Other names: short protein forms P65A.
Identifiers: ClinVar variation 4035954 (VCV004035954.1).

ClinVar aggregate classification (germline): Uncertain significance (1 of 4 stars; one submission).

Conditions:
Hereditary cancer-predisposing syndrome. Also called: Neoplastic Syndromes, Hereditary; Tumor predisposition; Hereditary neoplastic syndrome; Hereditary Cancer Syndrome. Identifiers: Orphanet 140162, MedGen C0027672, MeSH D009386, MONDO:0015356.

Submission:

Ambry Genetics
Classification: Uncertain significance for Hereditary cancer-predisposing syndrome. Last evaluated: 2025-05-04. Review status: criteria provided, single submitter. Criteria: Ambry Variant Classification Scheme 2023. Collection method: clinical testing. Allele origin: germline.
Comment: The p.P65A variant (also known as c.193C>G), located in coding exon 1 of the HOXB13 gene, results from a C to G substitution at nucleotide position 193. The proline at codon 65 is replaced by alanine, an amino acid with highly similar properties. This amino acid position is conserved. In addition, this alteration is predicted to be tolerated by in silico analysis. Based on the available evidence, the clinical significance of this variant remains unclear.